The following is an entry in ClinVar:

NM_177924.5(ASAH1):c.126-5T>C

Gene: ASAH1 (N-acylsphingosine amidohydrolase 1; minus strand). Cytogenetic location: 8p22.
Variant type: single nucleotide variant.
Coding change: c.126-5T>C on transcript NM_177924.5 (MANE Select); 5 bases into the intron before coding-DNA position 126, T replaced by C.
Molecular consequence: intron variant.
Genome position (GRCh38, 1-based): chr8:18,071,395, A>G on the plus strand (T>C on the coding strand, the complement: ASAH1 is on the minus strand). VCF-style: chr8-18071395-A-G. GRCh37 (hg19) VCF-style: chr8-17928904-A-G.
Other names: c.174-5T>C (NM_004315.6); c.195-5T>C (NM_001127505.3); c.-70-5T>C (NM_001363743.2).
Identifiers: ClinVar variation 2069580 (VCV002069580.1), dbSNP rs762784798, ClinGen allele CA4651010.

ClinVar aggregate classification (germline): Uncertain significance (1 of 4 stars; one submission).

Allele frequency attached by ClinVar (database versions not stated): gnomAD exomes 0.00001; TOPMed 0.00002; ExAC 0.00003; gnomAD 0.00003.
gnomAD v4.1: 15 of 1,553,338 alleles (0.00097%); highest among the groups gnomAD compares: Non-Finnish European, 0.00097%; no homozygotes.

Submission:

Labcorp Genetics (formerly Invitae), Labcorp
Classification: Uncertain significance. Last evaluated: 2022-05-13. Review status: criteria provided, single submitter. Criteria: Invitae Variant Classification Sherloc (09022015). Collection method: clinical testing. Allele origin: germline.
Comment: This sequence change falls in intron 2 of the ASAH1 gene. It does not directly change the encoded amino acid sequence of the ASAH1 protein. This variant is present in population databases (rs762784798, gnomAD 0.004%). This variant has not been reported in the literature in individuals affected with ASAH1-related conditions. Algorithms developed to predict the effect of sequence changes on RNA splicing suggest that this variant may disrupt the consensus splice site. In summary, the available evidence is currently insufficient to determine the role of this variant in disease. Therefore, it has been classified as a Variant of Uncertain Significance.